The following is an entry in ClinVar:

NM_002386.4(MC1R):c.668G>A (p.Arg223Gln)

Gene: MC1R (melanocortin 1 receptor; plus strand). Cytogenetic location: 16q24.3.
Variant type: single nucleotide variant.
Coding change: c.668G>A on transcript NM_002386.4 (MANE Select); coding-DNA position 668, G replaced by A.
Protein change: p.Arg223Gln; replaces arginine 223 with glutamine.
Molecular consequence: missense variant.
Genome position (GRCh38, 1-based): chr16:89,919,926, G>A. VCF-style: chr16-89919926-G-A. GRCh37 (hg19) VCF-style: chr16-89986334-G-A.
Other names: short protein forms R223Q.
Identifiers: ClinVar variation 1011196 (VCV001011196.8), dbSNP rs769200898, ClinGen allele CA8255707.
Genomic context (GRCh38, chr16:89,919,926, plus strand): 5'-TGGCCGTGCTGTACGTCCACATGCTGGCCCGGGCCTGCCAGCACGCCCAGGGCATCGCCC[G>A]GCTCCACAAGAGGCAGCGCCCGGTCCACCAGGGCTTTGGCCTTAAAGGCGCTGTCACCCT-3'
Protein context (NP_002377.4, residues 213-233): RACQHAQGIA[Arg223Gln]LHKRQRPVHQ

ClinVar aggregate classification (germline): Uncertain significance (1 of 4 stars; one submission).

Conditions:
Melanoma, cutaneous malignant, susceptibility to, 5. Also called: Cutaneous malignant melanoma 5. Identifiers: Orphanet 618, MedGen C2751295, MONDO:0013133, OMIM 613099.

Allele frequency attached by ClinVar (database versions not stated): gnomAD exomes below 0.00001 and 0.00002; ExAC 0.00001; TOPMed 0.00002; gnomAD 0.00003.

Submission:

Labcorp Genetics (formerly Invitae), Labcorp
Classification: Uncertain significance for Melanoma, cutaneous malignant, susceptibility to, 5. Last evaluated: 2021-01-26. Review status: criteria provided, single submitter. Criteria: Invitae Variant Classification Sherloc (09022015). Collection method: clinical testing. Allele origin: germline.
Comment: This sequence change replaces arginine with glutamine at codon 223 of the MC1R protein (p.Arg223Gln). The arginine residue is moderately conserved and there is a small physicochemical difference between arginine and glutamine. The frequency data for this variant in the population databases is considered unreliable, as metrics indicate poor data quality at this position in the ExAC database. This variant has been observed in individual(s) with melanoma and basal cell carcinoma (PMID: 16645598, 15998953, 18067130). Algorithms developed to predict the effect of missense changes on protein structure and function (SIFT, PolyPhen-2, Align-GVGD) all suggest that this variant is likely to be tolerated, but these predictions have not been confirmed by published functional studies and their clinical significance is uncertain. In summary, the available evidence is currently insufficient to determine the role of this variant in disease. Therefore, it has been classified as a Variant of Uncertain Significance.

Literature cited by the submitters: PubMed 16645598; PubMed 15998953; PubMed 18067130.